The following is an entry in ClinVar:

NM_020822.3(KCNT1):c.1483G>A (p.Glu495Lys)

Gene: KCNT1 (potassium sodium-activated channel subfamily T member 1; plus strand). Cytogenetic location: 9q34.3.
Variant type: single nucleotide variant.
Coding change: c.1483G>A on transcript NM_020822.3 (MANE Select); coding-DNA position 1483, G replaced by A.
Protein change: p.Glu495Lys; replaces glutamic acid 495 with lysine.
Molecular consequence: missense variant.
Genome position (GRCh38, 1-based): chr9:135,768,910, G>A. VCF-style: chr9-135768910-G-A. GRCh37 (hg19) VCF-style: chr9-138660756-G-A.
Other names: c.1348G>A, p.Glu450Lys (NM_001272003.2); short protein forms E450K, E495K.
Identifiers: ClinVar variation 4788800 (VCV004788800.1).

ClinVar aggregate classification (germline): Uncertain significance (1 of 4 stars; one submission).

Conditions:
Autosomal dominant nocturnal frontal lobe epilepsy 5. Also called: CILIARY DYSKINESIA, PRIMARY, 28, WITHOUT SITUS INVERSUS; CILIARY DYSKINESIA, PRIMARY, 28, WITH SITUS INVERSUS; KCNT1-Related Epilepsy; Epilepsy, nocturnal frontal lobe, 5. Identifiers: Orphanet 98784, MedGen C3554306, MONDO:0014002, OMIM 615005.
Developmental and epileptic encephalopathy, 14 (DEE14). Also called: Early infantile epileptic encephalopathy 14. Identifiers: Orphanet 293181, MedGen C3554195, MONDO:0013989, OMIM 614959.

Submission:

Labcorp Genetics (formerly Invitae), Labcorp
Classification: Uncertain significance for Autosomal dominant nocturnal frontal lobe epilepsy 5; Developmental and epileptic encephalopathy, 14. Last evaluated: 2025-11-05. Review status: criteria provided, single submitter. Criteria: Invitae Variant Classification Sherloc (09022015). Collection method: clinical testing. Allele origin: germline.
Comment: This sequence change replaces glutamic acid, which is acidic and polar, with lysine, which is basic and polar, at codon 495 of the KCNT1 protein (p.Glu495Lys). This variant is not present in population databases (gnomAD no frequency). This variant has not been reported in the literature in individuals affected with KCNT1-related conditions. Invitae Evidence Modeling of protein sequence and biophysical properties (such as structural, functional, and spatial information, amino acid conservation, physicochemical variation, residue mobility, and thermodynamic stability) has been performed for this missense variant. However, the output from this modeling did not meet the statistical confidence thresholds required to predict the impact of this variant on KCNT1 protein function. In summary, the available evidence is currently insufficient to determine the role of this variant in disease. Therefore, it has been classified as a Variant of Uncertain Significance.